The following is an entry in ClinVar:

NM_001271.4(CHD2):c.4476G>A (p.Gly1492=)

Gene: CHD2 (chromodomain helicase DNA binding protein 2; plus strand). Cytogenetic location: 15q26.1.
Variant type: single nucleotide variant.
Coding change: c.4476G>A on transcript NM_001271.4 (MANE Select); coding-DNA position 4476, G replaced by A.
Protein change: p.Gly1492=; no amino-acid change (glycine 1492 retained).
Molecular consequence: synonymous variant.
Genome position (GRCh38, 1-based): chr15:93,009,207, G>A. VCF-style: chr15-93009207-G-A. GRCh37 (hg19) VCF-style: chr15-93552437-G-A.
Other names: c.4476G>A (NM_001271.3).
Identifiers: ClinVar variation 1962352 (VCV001962352.6), dbSNP rs1054091115, ClinGen allele CA274885089.

ClinVar aggregate classification (germline): Likely benign. Review status: criteria provided, single submitter (1 of 4 stars). 2 submissions from 2 submitters: Likely benign (1). 1 of the submissions does not count toward it. Last evaluated 2025-06-16.

Conditions:
Developmental and epileptic encephalopathy 94 (DEE94). Also called: CHD2-Related Neurodevelopmental Disorders; Epileptic encephalopathy, childhood-onset. Identifiers: Orphanet 1942, Orphanet 2382, MedGen C3809278, MONDO:0014150, OMIM 615369.
CHD2-related disorder. Also called: CHD2-related condition.

Submissions (2):

Labcorp Genetics (formerly Invitae), Labcorp
Classification: Likely benign for Developmental and epileptic encephalopathy 94. Last evaluated: 2025-06-16. Review status: criteria provided, single submitter. Criteria: Invitae Variant Classification Sherloc (09022015). Collection method: clinical testing. Allele origin: germline.

PreventionGenetics, part of Exact Sciences
Classification: Likely benign for CHD2-related condition. Last evaluated: 2024-09-01. Review status: no assertion criteria provided. Collection method: clinical testing. Allele origin: germline. Not counted in ClinVar's aggregate classification.
Comment: This variant is classified as likely benign based on ACMG/AMP sequence variant interpretation guidelines (Richards et al. 2015 PMID: 25741868, with internal and published modifications).